The following is an entry in ClinVar:

NM_004006.3(DMD):c.1259T>A (p.Val420Glu)

Gene: DMD (dystrophin; minus strand). Cytogenetic location: Xp21.1.
Variant type: single nucleotide variant.
Coding change: c.1259T>A on transcript NM_004006.3 (MANE Select); coding-DNA position 1259, T replaced by A.
Protein change: p.Val420Glu; replaces valine 420 with glutamic acid.
Molecular consequence: missense variant.
Genome position (GRCh38, 1-based): chrX:32,644,204, A>T on the plus strand (T>A on the coding strand, the complement: DMD is on the minus strand). VCF-style: chrX-32644204-A-T. GRCh37 (hg19) VCF-style: chrX-32662321-A-T.
Other names: c.1235T>A, p.Val412Glu (NM_000109.4); c.1247T>A, p.Val416Glu (NM_004009.3); c.890T>A, p.Val297Glu (NM_004010.3); short protein forms V297E, V412E, V416E, V420E.
Identifiers: ClinVar variation 2632936 (VCV002632936.3), dbSNP rs2519633636, ClinGen allele CA412661059.

ClinVar aggregate classification (germline): Uncertain significance. Review status: no assertion criteria provided (0 of 4 stars). 2 submissions from 2 submitters: Uncertain significance (2). Last evaluated 2025-04-14.

Conditions:
Becker muscular dystrophy, Cardiomyopathy, Duchenne muscular dystrophy, Dystrophin deficiency.
DMD-related disorder. Also called: DMD-related condition.

Submissions (2):

Natera, Inc.
Classification: Uncertain significance for Becker muscular dystrophy, Cardiomyopathy, Duchenne muscular dystrophy, Dystrophin deficiency. Last evaluated: 2025-04-14. Review status: no assertion criteria provided. Collection method: clinical testing. Allele origin: germline.

PreventionGenetics, part of Exact Sciences
Classification: Uncertain significance for DMD-related condition. Last evaluated: 2024-05-29. Review status: no assertion criteria provided. Collection method: clinical testing. Allele origin: germline.
Comment: The DMD c.1259T>A variant is predicted to result in the amino acid substitution p.Val420Glu. To our knowledge, this variant has not been reported in the literature or in a large population database, indicating this variant is rare. At this time, the clinical significance of this variant is uncertain due to the absence of conclusive functional and genetic evidence.